The following is an entry in ClinVar:

ClinVar aggregate classification (germline): Uncertain significance (1 of 4 stars; one submission).

Allele frequency attached by ClinVar (database versions not stated): gnomAD exomes below 0.00001.
gnomAD v4.1: 1 of 1,607,366 alleles (0.000062%); highest among the groups gnomAD compares: Non-Finnish European, 0.000085%; no homozygotes.

Submission:

Labcorp Genetics (formerly Invitae), Labcorp
Classification: Uncertain significance. Last evaluated: 2022-09-13. Review status: criteria provided, single submitter. Criteria: Invitae Variant Classification Sherloc (09022015). Collection method: clinical testing. Allele origin: germline.
Comment: This sequence change falls in intron 5 of the TMEM132E gene. It does not directly change the encoded amino acid sequence of the TMEM132E protein. It affects a nucleotide within the consensus splice site. This variant is not present in population databases (gnomAD no frequency). This variant has not been reported in the literature in individuals affected with TMEM132E-related conditions. ClinVar contains an entry for this variant (Variation ID: 1386105). Variants that disrupt the consensus splice site are a relatively common cause of aberrant splicing (PMID: 17576681, 9536098). Algorithms developed to predict the effect of sequence changes on RNA splicing suggest that this variant is not likely to affect RNA splicing. In summary, the available evidence is currently insufficient to determine the role of this variant in disease. Therefore, it has been classified as a Variant of Uncertain Significance.

Literature cited by the submitters: PubMed 17576681; PubMed 9536098.

NM_001304438.2(TMEM132E):c.1482+6C>T

Gene: TMEM132E (transmembrane protein 132E; plus strand). Cytogenetic location: 17q12.
Variant type: single nucleotide variant.
Coding change: c.1482+6C>T on transcript NM_001304438.2 (MANE Select); 6 bases into the intron after coding-DNA position 1482, C replaced by T.
Molecular consequence: intron variant.
Genome position (GRCh38, 1-based): chr17:34,630,157, C>T. VCF-style: chr17-34630157-C-T. GRCh37 (hg19) VCF-style: chr17-32957176-C-T.
Identifiers: ClinVar variation 1386105 (VCV001386105.6), dbSNP rs2142083282, ClinGen allele CA2573153687.